The following is an entry in ClinVar:

ClinVar aggregate classification (germline): Uncertain significance (1 of 4 stars; one submission).

Submission:

GeneDx
Classification: Uncertain significance. Last evaluated: 2026-03-25. Review status: criteria provided, single submitter. Criteria: GeneDx Variant Classification Process June 2021. Collection method: clinical testing. Allele origin: germline.
Comment: Not observed at significant frequency in large population cohorts (gnomAD); In silico analysis supports that this missense variant has a deleterious effect on protein structure/function; Has not been previously published as pathogenic or benign to our knowledge

NM_024417.5(FDXR):c.532A>G (p.Thr178Ala)

Gene: FDXR (ferredoxin reductase; minus strand). Cytogenetic location: 17q25.1.
Variant type: single nucleotide variant.
Coding change: c.532A>G on transcript NM_024417.5 (MANE Select); coding-DNA position 532, A replaced by G.
Protein change: p.Thr178Ala; replaces threonine 178 with alanine.
Molecular consequence: missense variant. On other transcripts: non-coding transcript variant (1).
Genome position (GRCh38, 1-based): chr17:74,865,796, T>C on the plus strand (A>G on the coding strand, the complement: FDXR is on the minus strand). VCF-style: chr17-74865796-T-C. GRCh37 (hg19) VCF-style: chr17-72861918-T-C.
Other names: c.661A>G, p.Thr221Ala (NM_001258012.4); c.625A>G, p.Thr209Ala (NM_001258013.4); c.508A>G, p.Thr170Ala (NM_001258014.4); c.412A>G, p.Thr138Ala (NM_001258015.3); c.376A>G, p.Thr126Ala (NM_001258016.3); c.532A>G, p.Thr178Ala (NM_004110.6); short protein forms T126A, T138A, T170A, T178A, T209A, T221A.
Identifiers: ClinVar variation 5017128 (VCV005017128.1).